The following is an entry in ClinVar:

ClinVar aggregate classification (germline): Likely benign. Review status: criteria provided, multiple submitters, no conflicts (2 of 4 stars). 3 submissions from 3 submitters: Likely benign (3). Last evaluated 2025-09-09.

Conditions:
Cardiovascular phenotype. Identifiers: MedGen CN230736.
Walker-Warburg congenital muscular dystrophy. Also called: Muscular dystrophy-dystroglycanopathy, type A; Walker-Warburg syndrome. Identifiers: Orphanet 899, MedGen C0265221, MONDO:0000171.

Allele frequency attached by ClinVar (database versions not stated): gnomAD exomes 0.00001; ExAC 0.00002.
gnomAD v4.1: 2 of 1,612,832 alleles (0.00012%); highest among the groups gnomAD compares: Admixed American, 0.0017%; no homozygotes.

Submissions (3):

Labcorp Genetics (formerly Invitae), Labcorp
Classification: Likely benign for Walker-Warburg congenital muscular dystrophy. Last evaluated: 2025-09-09. Review status: criteria provided, single submitter. Criteria: Invitae Variant Classification Sherloc (09022015). Collection method: clinical testing. Allele origin: germline.

Ambry Genetics
Classification: Likely benign for Cardiovascular phenotype. Last evaluated: 2020-01-09. Review status: criteria provided, single submitter. Criteria: Ambry Variant Classification Scheme 2023. Collection method: clinical testing. Allele origin: germline.

GeneDx
Classification: Likely benign. Last evaluated: 2017-02-06. Review status: criteria provided, single submitter. Criteria: GeneDx Variant Classification (06012015). Collection method: clinical testing. Allele origin: germline. Affected: yes.
Comment: This variant is considered likely benign or benign based on one or more of the following criteria: it is a conservative change, it occurs at a poorly conserved position in the protein, it is predicted to be benign by multiple in silico algorithms, and/or has population frequency not consistent with disease.

NM_024301.5(FKRP):c.1176C>T (p.Phe392=)

Gene: FKRP (fukutin related protein; plus strand). Cytogenetic location: 19q13.32.
Variant type: single nucleotide variant.
Coding change: c.1176C>T on transcript NM_024301.5 (MANE Select); coding-DNA position 1176, C replaced by T.
Protein change: p.Phe392=; no amino-acid change (phenylalanine 392 retained).
Molecular consequence: synonymous variant.
Genome position (GRCh38, 1-based): chr19:46,756,626, C>T. VCF-style: chr19-46756626-C-T. GRCh37 (hg19) VCF-style: chr19-47259883-C-T.
Other names: c.1176C>T, p.Phe392= (NM_001039885.3).
Identifiers: ClinVar variation 507178 (VCV000507178.10), dbSNP rs768236258, ClinGen allele CA9532267.
Genomic context (GRCh38, chr19:46,756,626, plus strand): 5'-GGGCAACTGCGAGCAGCTGCGGGGGGCAGAGGCCGGCTCGGTGGTGGATGAGCGCGGCTT[C>T]GTATGGGAGAAGGCGGTCGAGGGCGACTTTTTCCGCGTGCAGTACAGCGAAAGCAACCAC-3'
Protein context (NP_077277.1, residues 382-402): EAGSVVDERG[Phe392=]VWEKAVEGDF